The following is an entry in ClinVar:

ClinVar aggregate classification (germline): not provided (0 of 4 stars; one submission).

Conditions:
Sarcoma. Identifiers: MedGen C1261473, MONDO:0005089, HP:0100242.

Submission:

Laboratory of Translational Genomics,  National Cancer Institute
No classification provided. Review status: no classification provided. Collection method: not provided. Allele origin: somatic.
Comment: Pediatric sarcoma specimen

NM_033360.4(KRAS):c.216G>A (p.Met72Ile)

Gene: KRAS (KRAS proto-oncogene, GTPase; minus strand). Cytogenetic location: 12p12.1.
Variant type: single nucleotide variant.
Coding change: c.216G>A on transcript NM_033360.4 (MANE Plus Clinical); coding-DNA position 216, G replaced by A.
Protein change: p.Met72Ile; replaces methionine 72 with isoleucine.
Molecular consequence: missense variant.
Genome position (GRCh38, 1-based): chr12:25,227,308, C>T on the plus strand (G>A on the coding strand, the complement: KRAS is on the minus strand). VCF-style: chr12-25227308-C-T. GRCh37 (hg19) VCF-style: chr12-25380242-C-T.
Other names: c.216G>A, p.Met72Ile (LRG_344t2, LRG_344t1, NM_001369786.1 and 2 more transcripts); short protein forms M72I.
Identifiers: ClinVar variation 132970 (VCV000132970.1), dbSNP rs104886028, ClinGen allele CA156305.